The following is an entry in ClinVar:

NM_014727.3(KMT2B):c.8119G>A (p.Ala2707Thr)

Gene: KMT2B (lysine methyltransferase 2B; plus strand). Cytogenetic location: 19q13.12.
Variant type: single nucleotide variant.
Coding change: c.8119G>A on transcript NM_014727.3 (MANE Select); coding-DNA position 8119, G replaced by A.
Protein change: p.Ala2707Thr; replaces alanine 2707 with threonine.
Molecular consequence: missense variant.
Genome position (GRCh38, 1-based): chr19:35,738,528, G>A. VCF-style: chr19-35738528-G-A. GRCh37 (hg19) VCF-style: chr19-36229429-G-A.
Other names: short protein forms A2707T.
Identifiers: ClinVar variation 4278042 (VCV004278042.2).
Genomic context (GRCh38, chr19:35,738,528, plus strand): 5'-ACCTACGACTACAAGTTCCCCATCGAGGATGCCAGCAACAAGCTGCCCTGCAACTGTGGC[G>A]CCAAGCGCTGCCGTCGGTTCCTTAACTGAGGCCGTGGCTGCCCACCACGACCCCTCACAC-3'
Protein context (NP_055542.1, residues 2697-2715): ASNKLPCNCG[Ala2707Thr]KRCRRFLN

ClinVar aggregate classification (germline): Uncertain significance. Review status: criteria provided, multiple submitters, no conflicts (2 of 4 stars). 2 submissions from 2 submitters: Uncertain significance (2). Last evaluated 2025-09-10.

Conditions:
Dystonia 28, childhood-onset (DYT28). Also called: KMT2B-Related Dystonia (DYT-KMT2B). Identifiers: Orphanet 589618, MedGen C4310633, MONDO:0015004, OMIM 617284.

gnomAD v4.1: 7 of 1,613,606 alleles (0.00043%); highest among the groups gnomAD compares: Admixed American, 0.0033%; no homozygotes.

Submissions (2):

Genomic Medicine Center of Excellence, King Faisal Specialist Hospital and Research Centre
Classification: Uncertain significance for Dystonia 28, childhood-onset. Last evaluated: 2025-09-10. Review status: criteria provided, single submitter. Criteria: ACMG Guidelines, 2015. Collection method: clinical testing. Allele origin: germline.

Labcorp Genetics (formerly Invitae), Labcorp
Classification: Uncertain significance. Last evaluated: 2025-04-23. Review status: criteria provided, single submitter. Criteria: Invitae Variant Classification Sherloc (09022015). Collection method: clinical testing. Allele origin: germline.
Comment: This sequence change replaces alanine, which is neutral and non-polar, with threonine, which is neutral and polar, at codon 2707 of the KMT2B protein (p.Ala2707Thr). This variant is not present in population databases (gnomAD no frequency). This variant has not been reported in the literature in individuals affected with KMT2B-related conditions. Invitae Evidence Modeling of protein sequence and biophysical properties (such as structural, functional, and spatial information, amino acid conservation, physicochemical variation, residue mobility, and thermodynamic stability) indicates that this missense variant is not expected to disrupt KMT2B protein function with a negative predictive value of 80%. In summary, the available evidence is currently insufficient to determine the role of this variant in disease. Therefore, it has been classified as a Variant of Uncertain Significance.